The following is an entry in ClinVar:

NM_000629.3(IFNAR1):c.1570C>T (p.His524Tyr)

Gene: IFNAR1 (interferon alpha and beta receptor subunit 1; plus strand). Cytogenetic location: 21q22.11.
Variant type: single nucleotide variant.
Coding change: c.1570C>T on transcript NM_000629.3 (MANE Select); coding-DNA position 1570, C replaced by T.
Protein change: p.His524Tyr; replaces histidine 524 with tyrosine.
Molecular consequence: missense variant. On other transcripts: 3 prime UTR variant (1).
Genome position (GRCh38, 1-based): chr21:33,355,445, C>T. VCF-style: chr21-33355445-C-T. GRCh37 (hg19) VCF-style: chr21-34727751-C-T.
Other names: c.1570C>T, p.His524Tyr (NM_001384498.1); c.*119C>T (NM_001384499.1); c.808C>T, p.His270Tyr (NM_001384500.1); c.1540C>T, p.His514Tyr (NM_001384501.1); c.1108C>T, p.His370Tyr (NM_001384502.1); c.1555C>T, p.His519Tyr (NM_001384503.1); c.1363C>T, p.His455Tyr (NM_001384504.1); short protein forms H370Y, H519Y, H524Y, H270Y, H455Y, H514Y.
Identifiers: ClinVar variation 1919618 (VCV001919618.3), dbSNP rs749808658, ClinGen allele CA410111088.

ClinVar aggregate classification (germline): Uncertain significance (1 of 4 stars; one submission).

Allele frequency attached by ClinVar (database versions not stated): TOPMed below 0.00001.
gnomAD v4.1: 10 of 1,600,744 alleles (0.00062%); highest among the groups gnomAD compares: Middle Eastern, 0.033%; no homozygotes.

Submission:

Labcorp Genetics (formerly Invitae), Labcorp
Classification: Uncertain significance. Last evaluated: 2022-05-15. Review status: criteria provided, single submitter. Criteria: Invitae Variant Classification Sherloc (09022015). Collection method: clinical testing. Allele origin: germline.
Comment: This sequence change replaces histidine, which is basic and polar, with tyrosine, which is neutral and polar, at codon 524 of the IFNAR1 protein (p.His524Tyr). This variant is not present in population databases (gnomAD no frequency). This variant has not been reported in the literature in individuals affected with IFNAR1-related conditions. Algorithms developed to predict the effect of missense changes on protein structure and function output the following: SIFT: "Tolerated"; PolyPhen-2: "Benign"; Align-GVGD: "Class C0". The tyrosine amino acid residue is found in multiple mammalian species, which suggests that this missense change does not adversely affect protein function. In summary, the available evidence is currently insufficient to determine the role of this variant in disease. Therefore, it has been classified as a Variant of Uncertain Significance.